The following is an entry in ClinVar:

ClinVar aggregate classification (germline): Uncertain significance (1 of 4 stars; one submission).

Submission:

Labcorp Genetics (formerly Invitae), Labcorp
Classification: Uncertain significance. Last evaluated: 2025-04-27. Review status: criteria provided, single submitter. Criteria: Invitae Variant Classification Sherloc (09022015). Collection method: clinical testing. Allele origin: germline.
Comment: This sequence change replaces proline, which is neutral and non-polar, with leucine, which is neutral and non-polar, at codon 118 of the IRF2BP2 protein (p.Pro118Leu). This variant is not present in population databases (gnomAD no frequency). This variant has not been reported in the literature in individuals affected with IRF2BP2-related conditions. An algorithm developed to predict the effect of missense changes on protein structure and function (PolyPhen-2) suggests that this variant is likely to be disruptive. In summary, the available evidence is currently insufficient to determine the role of this variant in disease. Therefore, it has been classified as a Variant of Uncertain Significance.

NM_182972.3(IRF2BP2):c.353C>T (p.Pro118Leu)

Genes: IRF2BP2 (interferon regulatory factor 2 binding protein 2; minus strand), LOC129932812 (ATAC-STARR-seq lymphoblastoid silent region 1977; plus strand). Cytogenetic location: 1q42.3.
Variant type: single nucleotide variant.
Coding change: c.353C>T on transcript NM_182972.3 (MANE Select); coding-DNA position 353, C replaced by T.
Protein change: p.Pro118Leu; replaces proline 118 with leucine.
Molecular consequence: missense variant.
Genome position (GRCh38, 1-based): chr1:234,609,142, G>A on the plus strand (C>T on the coding strand, the complement: IRF2BP2 is on the minus strand). VCF-style: chr1-234609142-G-A. GRCh37 (hg19) VCF-style: chr1-234744888-G-A.
Other names: c.353C>T, p.Pro118Leu (NM_001077397.1); short protein forms P118L.
Identifiers: ClinVar variation 4700772 (VCV004700772.1).